The following is an entry in ClinVar:

ClinVar aggregate classification (germline): Uncertain significance. Review status: criteria provided, multiple submitters, no conflicts (2 of 4 stars). 2 submissions from 2 submitters: Uncertain significance (2). Last evaluated 2024-06-13.

Conditions:
Inborn genetic diseases. Identifiers: MedGen C0950123, MeSH D030342.

Allele frequency attached by ClinVar (database versions not stated): gnomAD exomes below 0.00001 and 0.00001; ExAC 0.00001; TOPMed 0.00001.
gnomAD v4.1: 16 of 1,613,798 alleles (0.00099%); highest among the groups gnomAD compares: Admixed American, 0.0017%; no homozygotes.

Submissions (2):

Ambry Genetics
Classification: Uncertain significance for Inborn genetic diseases. Last evaluated: 2024-06-13. Review status: criteria provided, single submitter. Criteria: Ambry Variant Classification Scheme 2023. Collection method: clinical testing. Allele origin: germline.

Labcorp Genetics (formerly Invitae), Labcorp
Classification: Uncertain significance. Last evaluated: 2022-08-11. Review status: criteria provided, single submitter. Criteria: Invitae Variant Classification Sherloc (09022015). Collection method: clinical testing. Allele origin: germline.
Comment: This sequence change replaces methionine, which is neutral and non-polar, with valine, which is neutral and non-polar, at codon 237 of the RGS9 protein (p.Met237Val). This variant is present in population databases (rs758591262, gnomAD 0.003%). This variant has not been reported in the literature in individuals affected with RGS9-related conditions. ClinVar contains an entry for this variant (Variation ID: 1044278). Algorithms developed to predict the effect of missense changes on protein structure and function are either unavailable or do not agree on the potential impact of this missense change (SIFT: "Deleterious"; PolyPhen-2: "Benign"; Align-GVGD: "Class C0"). Algorithms developed to predict the effect of sequence changes on RNA splicing suggest that this variant may create or strengthen a splice site. In summary, the available evidence is currently insufficient to determine the role of this variant in disease. Therefore, it has been classified as a Variant of Uncertain Significance.

NM_003835.4(RGS9):c.709A>G (p.Met237Val)

Gene: RGS9 (regulator of G protein signaling 9; plus strand). Cytogenetic location: 17q24.1.
Variant type: single nucleotide variant.
Coding change: c.709A>G on transcript NM_003835.4 (MANE Select); coding-DNA position 709, A replaced by G.
Protein change: p.Met237Val; replaces methionine 237 with valine.
Molecular consequence: missense variant.
Genome position (GRCh38, 1-based): chr17:65,190,199, A>G. VCF-style: chr17-65190199-A-G. GRCh37 (hg19) VCF-style: chr17-63186317-A-G.
Other names: c.700A>G, p.Met234Val (NM_001081955.3, NM_001165933.2); c.709A>G (NM_003835.3); short protein forms M234V, M237V.
Identifiers: ClinVar variation 1044278 (VCV001044278.4), dbSNP rs758591262, ClinGen allele CA8717809.
Genomic context (GRCh38, chr17:65,190,199, plus strand): 5'-GGGTTGAATACCTTCTAACAACTGTGTCTCTTCCAGATCATGTATTACCAACAGGCCTTG[A>G]TGAGGTCCACAGTGAAGTCTTCTGTGTCCCTGGGAGGGTATGTCCCTGATTTGTTGATCT-3'
Protein context (NP_003826.2, residues 227-247): KEIMYYQQAL[Met237Val]RSTVKSSVSL